The following is an entry in ClinVar:

NM_001364905.1(LRBA):c.4339+4A>C

Gene: LRBA (LPS responsive beige-like anchor protein; minus strand). Cytogenetic location: 4q31.3.
Variant type: single nucleotide variant.
Coding change: c.4339+4A>C on transcript NM_001364905.1 (MANE Select); 4 bases into the intron after coding-DNA position 4339, A replaced by C.
Molecular consequence: intron variant.
Genome position (GRCh38, 1-based): chr4:150,848,814, T>G on the plus strand (A>C on the coding strand, the complement: LRBA is on the minus strand). VCF-style: chr4-150848814-T-G. GRCh37 (hg19) VCF-style: chr4-151769966-T-G.
Other names: c.4339+4A>C (NM_001367550.1, NM_006726.5, NM_001199282.3 and 2 more transcripts).
Identifiers: ClinVar variation 1314757 (VCV001314757.2), dbSNP rs2126904793, ClinGen allele CA2573052306.

ClinVar aggregate classification (germline): Uncertain significance (1 of 4 stars; one submission).

Submission:

GeneDx
Classification: Uncertain significance. Last evaluated: 2021-04-26. Review status: criteria provided, single submitter. Criteria: GeneDx Variant Classification Process June 2021. Collection method: clinical testing. Allele origin: germline. Affected: yes.
Comment: Not observed in large population cohorts (Lek et al., 2016); Has not been previously published as pathogenic or benign to our knowledge; In-silico analysis, which includes splice predictors and evolutionary conservation, is inconclusive as to whether the variant alters gene splicing. In the absence of RNA/functional studies, the actual effect of this sequence change is unknown.